The following is an entry in ClinVar:

NM_018671.5(UNC45A):c.687+4G>A

Gene: UNC45A (unc-45 myosin chaperone A; plus strand). Cytogenetic location: 15q26.1.
Variant type: single nucleotide variant.
Coding change: c.687+4G>A on transcript NM_018671.5 (MANE Select); 4 bases into the intron after coding-DNA position 687, G replaced by A.
Molecular consequence: intron variant.
Genome position (GRCh38, 1-based): chr15:90,940,477, G>A. VCF-style: chr15-90940477-G-A. GRCh37 (hg19) VCF-style: chr15-91483707-G-A.
Other names: c.642+4G>A (NM_001039675.2, NM_001323621.2); c.687+4G>A (NM_001323619.1); c.252+4G>A (NM_001323620.2).
Identifiers: ClinVar variation 1919956 (VCV001919956.2), dbSNP rs749586885, ClinGen allele CA7742625.

ClinVar aggregate classification (germline): Uncertain significance (1 of 4 stars; one submission).

Allele frequency attached by ClinVar (database versions not stated): TOPMed below 0.00001; ExAC 0.00001; gnomAD 0.00001; gnomAD exomes 0.00001.

Submission:

Labcorp Genetics (formerly Invitae), Labcorp
Classification: Uncertain significance. Last evaluated: 2022-09-01. Review status: criteria provided, single submitter. Criteria: Invitae Variant Classification Sherloc (09022015). Collection method: clinical testing. Allele origin: germline.
Comment: This sequence change falls in intron 6 of the UNC45A gene. It does not directly change the encoded amino acid sequence of the UNC45A protein. It affects a nucleotide within the consensus splice site. This variant is present in population databases (rs749586885, gnomAD 0.01%). This variant has not been reported in the literature in individuals affected with UNC45A-related conditions. Variants that disrupt the consensus splice site are a relatively common cause of aberrant splicing (PMID: 17576681, 9536098). Algorithms developed to predict the effect of sequence changes on RNA splicing suggest that this variant is not likely to affect RNA splicing. In summary, the available evidence is currently insufficient to determine the role of this variant in disease. Therefore, it has been classified as a Variant of Uncertain Significance.

Literature cited by the submitters: PubMed 17576681; PubMed 9536098.